The following is an entry in ClinVar:

ClinVar aggregate classification (germline): Uncertain significance (1 of 4 stars; one submission).

Conditions:
Hereditary cancer-predisposing syndrome. Also called: Neoplastic Syndromes, Hereditary; Hereditary neoplastic syndrome; Tumor predisposition; Hereditary Cancer Syndrome. Identifiers: Orphanet 140162, MedGen C0027672, MeSH D009386, MONDO:0015356.

Submission:

Ambry Genetics
Classification: Uncertain significance for Hereditary cancer-predisposing syndrome. Last evaluated: 2023-01-19. Review status: criteria provided, single submitter. Criteria: Ambry Variant Classification Scheme 2023. Collection method: clinical testing. Allele origin: germline.
Comment: The p.E1063A variant (also known as c.3188A>C), located in coding exon 22 of the PDGFRA gene, results from an A to C substitution at nucleotide position 3188. The glutamic acid at codon 1063 is replaced by alanine, an amino acid with dissimilar properties. This amino acid position is conserved. In addition, the in silico prediction for this alteration is inconclusive. Since supporting evidence is limited at this time, the clinical significance of this alteration remains unclear.

NM_006206.6(PDGFRA):c.3188A>C (p.Glu1063Ala)

Gene: PDGFRA (platelet derived growth factor receptor alpha; plus strand). Cytogenetic location: 4q12.
Variant type: single nucleotide variant.
Coding change: c.3188A>C on transcript NM_006206.6 (MANE Select); coding-DNA position 3188, A replaced by C.
Protein change: p.Glu1063Ala; replaces glutamic acid 1063 with alanine.
Molecular consequence: missense variant.
Genome position (GRCh38, 1-based): chr4:54,295,190, A>C. VCF-style: chr4-54295190-A-C. GRCh37 (hg19) VCF-style: chr4-55161357-A-C.
Other names: c.3263A>C, p.Glu1088Ala (NM_001347828.2); c.3188A>C, p.Glu1063Ala (NM_001347829.2); c.3227A>C, p.Glu1076Ala (NM_001347830.2); short protein forms E1076A, E1063A, E1088A.
Identifiers: ClinVar variation 2453863 (VCV002453863.2), dbSNP rs1724821641, ClinGen allele CA356896583.
Genomic context (GRCh38, chr4:54,295,190, plus strand): 5'-AGACCTCTGAAGAGAGTGCCATTGAGACGGGTTCCAGCAGTTCCACCTTCATCAAGAGAG[A>C]GGACGAGACCATTGAAGACATCGACATGATGGATGACATCGGCATAGACTCTTCAGACCT-3'
Protein context (NP_006197.1, residues 1053-1073): GSSSSTFIKR[Glu1063Ala]DETIEDIDMM